The following is an entry in ClinVar:

ClinVar aggregate classification (germline): Uncertain significance. Review status: criteria provided, multiple submitters, no conflicts (2 of 4 stars). 2 submissions from 2 submitters: Uncertain significance (2). Last evaluated 2024-06-24.

Conditions:
Deafness-encephaloneuropathy-obesity-valvulopathy syndrome. Identifiers: Orphanet 254898, MedGen C3553354, MONDO:0013837, OMIM 614651.

gnomAD v4.1: 85 of 1,602,862 alleles (0.0053%); highest among the groups gnomAD compares: Non-Finnish European, 0.0072%; no homozygotes.

Submissions (3):

GeneDx
Classification: Uncertain significance. Last evaluated: 2024-06-24. Review status: criteria provided, single submitter. Criteria: GeneDx Variant Classification Process June 2021. Collection method: clinical testing. Allele origin: germline. Affected: yes.
Comment: Not observed at significant frequency in large population cohorts (gnomAD); In silico analysis supports a deleterious effect on splicing; In silico analysis indicates that this missense variant does not alter protein structure/function; Has not been previously published as pathogenic or benign to our knowledge

Fulgent Genetics
Classification: Uncertain significance for Deafness-encephaloneuropathy-obesity-valvulopathy syndrome. Last evaluated: 2024-02-13. Review status: criteria provided, single submitter. Criteria: ACMG Guidelines, 2015. Collection method: clinical testing. Allele origin: germline.

Dr. Peter K. Rogan Lab, Western University
No classification provided (evidence only). Condition: Adrenocortical carcinoma, hereditary. Review status: no classification provided. Collection method: in vitro. Allele origin: not applicable. Functional consequence: retained intron. Not counted in ClinVar's aggregate classification.

NM_014317.5(PDSS1):c.916A>G (p.Ile306Val)

Gene: PDSS1 (decaprenyl diphosphate synthase subunit 1; plus strand). Cytogenetic location: 10p12.1.
Variant type: single nucleotide variant.
Coding change: c.916A>G on transcript NM_014317.5 (MANE Select); coding-DNA position 916, A replaced by G.
Protein change: p.Ile306Val; replaces isoleucine 306 with valine.
Molecular consequence: missense variant. On other transcripts: intron variant (1).
Genome position (GRCh38, 1-based): chr10:26,735,469, A>G. VCF-style: chr10-26735469-A-G. GRCh37 (hg19) VCF-style: chr10-27024398-A-G.
Other names: NC_000010.10:g.27024398A>G; c.406A>G, p.Ile136Val (NM_001321979.2); c.836-7028A>G (NM_001321978.2); short protein forms I136V, I306V.
Identifiers: ClinVar variation 3392759 (VCV003392759.3).
Genomic context (GRCh38, chr10:26,735,469, plus strand): 5'-GATGGCAGCAGTGTTGGCATGGCGGTGCTCCTTACATCCCATTTTTCCTTTTGCCAGCTA[A>G]TAGATGATGTATTGGACTTCACCTCGTGTTCTGACCAGATGGGCAAACCAACATCAGCTG-3'
Protein context (NP_055132.2, residues 296-316): GKNVGIAFQL[Ile306Val]DDVLDFTSCS